The following is an entry in ClinVar:

ClinVar aggregate classification (germline): Uncertain significance (1 of 4 stars; one submission).

Conditions:
Cornelia de Lange syndrome 1 (CDLS1). Also called: TYPUS DEGENERATIVUS AMSTELODAMENSIS; NIPBL-Related Cornelia de Lange Syndrome; Brachmann de Lange syndrome. Identifiers: Orphanet 199, MedGen C4551851, MONDO:0007387, OMIM 122470.

gnomAD v4.1: 3 of 1,613,804 alleles (0.00019%); highest among the groups gnomAD compares: African/African-American, 0.0013%; no homozygotes.

Submission:

Labcorp Genetics (formerly Invitae), Labcorp
Classification: Uncertain significance for Cornelia de Lange syndrome 1. Last evaluated: 2025-10-20. Review status: criteria provided, single submitter. Criteria: Invitae Variant Classification Sherloc (09022015). Collection method: clinical testing. Allele origin: germline.
Comment: This sequence change replaces lysine, which is basic and polar, with glutamic acid, which is acidic and polar, at codon 624 of the NIPBL protein (p.Lys624Glu). This variant is present in population databases (no rsID available, gnomAD 0.01%). This variant has not been reported in the literature in individuals affected with NIPBL-related conditions. Invitae Evidence Modeling of protein sequence and biophysical properties (such as structural, functional, and spatial information, amino acid conservation, physicochemical variation, residue mobility, and thermodynamic stability) has been performed for this missense variant. However, the output from this modeling did not meet the statistical confidence thresholds required to predict the impact of this variant on NIPBL protein function. In summary, the available evidence is currently insufficient to determine the role of this variant in disease. Therefore, it has been classified as a Variant of Uncertain Significance.

NM_133433.4(NIPBL):c.1870A>G (p.Lys624Glu)

Gene: NIPBL (NIPBL cohesin loading factor; plus strand). Cytogenetic location: 5p13.2.
Variant type: single nucleotide variant.
Coding change: c.1870A>G on transcript NM_133433.4 (MANE Select); coding-DNA position 1870, A replaced by G.
Protein change: p.Lys624Glu; replaces lysine 624 with glutamic acid.
Molecular consequence: missense variant.
Genome position (GRCh38, 1-based): chr5:36,985,050, A>G. VCF-style: chr5-36985050-A-G. GRCh37 (hg19) VCF-style: chr5-36985152-A-G.
Other names: c.1870A>G, p.Lys624Glu (NM_001438586.1, NM_015384.5); short protein forms K624E.
Identifiers: ClinVar variation 4705512 (VCV004705512.1).